The following is an entry in ClinVar:

ClinVar aggregate classification (germline): Uncertain significance (1 of 4 stars; one submission).

Conditions:
Nephronophthisis. Also called: Juvenile Nephronophthisis. Identifiers: Orphanet 655, MedGen C0687120, MONDO:0019005, HP:0000090.

Allele frequency attached by ClinVar (database versions not stated): gnomAD exomes below 0.00001.
gnomAD v4.1: 1 of 1,614,220 alleles (0.000062%); highest among the groups gnomAD compares: Non-Finnish European, 0.000085%; no homozygotes.

Submission:

Labcorp Genetics (formerly Invitae), Labcorp
Classification: Uncertain significance for Nephronophthisis. Last evaluated: 2025-05-05. Review status: criteria provided, single submitter. Criteria: Invitae Variant Classification Sherloc (09022015). Collection method: clinical testing. Allele origin: germline.
Comment: This sequence change replaces glutamic acid, which is acidic and polar, with lysine, which is basic and polar, at codon 500 of the IQCB1 protein (p.Glu500Lys). This variant is not present in population databases (gnomAD no frequency). This variant has not been reported in the literature in individuals affected with IQCB1-related conditions. ClinVar contains an entry for this variant (Variation ID: 2074666). Invitae Evidence Modeling of protein sequence and biophysical properties (such as structural, functional, and spatial information, amino acid conservation, physicochemical variation, residue mobility, and thermodynamic stability) indicates that this missense variant is not expected to disrupt IQCB1 protein function with a negative predictive value of 80%. In summary, the available evidence is currently insufficient to determine the role of this variant in disease. Therefore, it has been classified as a Variant of Uncertain Significance.

NM_001023570.4(IQCB1):c.1498G>A (p.Glu500Lys)

Gene: IQCB1 (IQ motif containing B1; minus strand). Cytogenetic location: 3q13.33.
Variant type: single nucleotide variant.
Coding change: c.1498G>A on transcript NM_001023570.4 (MANE Select); coding-DNA position 1498, G replaced by A.
Protein change: p.Glu500Lys; replaces glutamic acid 500 with lysine.
Molecular consequence: missense variant. On other transcripts: non-coding transcript variant (1).
Genome position (GRCh38, 1-based): chr3:121,772,626, C>T on the plus strand (G>A on the coding strand, the complement: IQCB1 is on the minus strand). VCF-style: chr3-121772626-C-T. GRCh37 (hg19) VCF-style: chr3-121491473-C-T.
Other names: c.1099G>A, p.Glu367Lys (NM_001023571.4); c.1498G>A, p.Glu500Lys (NM_001319107.2); short protein forms E500K, E367K.
Identifiers: ClinVar variation 2074666 (VCV002074666.4), dbSNP rs2547582136, ClinGen allele CA354110054.